The following is an entry in ClinVar:

NM_000222.3(KIT):c.1866A>G (p.Val622=)

Gene: KIT (KIT proto-oncogene, receptor tyrosine kinase; plus strand). Cytogenetic location: 4q12.
Variant type: single nucleotide variant.
Coding change: c.1866A>G on transcript NM_000222.3 (MANE Select); coding-DNA position 1866, A replaced by G.
Protein change: p.Val622=; no amino-acid change (valine 622 retained).
Molecular consequence: synonymous variant.
Genome position (GRCh38, 1-based): chr4:54,727,914, A>G. VCF-style: chr4-54727914-A-G. GRCh37 (hg19) VCF-style: chr4-55594080-A-G.
Other names: c.1854A>G, p.Val618= (NM_001093772.2, NM_001385286.1); c.1869A>G, p.Val623= (NM_001385284.1, NM_001385290.1); c.1866A>G, p.Val622= (NM_001385285.1); c.1857A>G, p.Val619= (NM_001385288.1, NM_001385292.1).
Identifiers: ClinVar variation 528633 (VCV000528633.34), dbSNP rs1287132024, ClinGen allele CA439291396.

ClinVar aggregate classification (germline): Benign/Likely benign. Review status: criteria provided, multiple submitters, no conflicts (2 of 4 stars). 4 submissions from 4 submitters: Benign (1); Likely benign (3). Last evaluated 2026-06-04.

Conditions:
Hereditary cancer-predisposing syndrome. Also called: Neoplastic Syndromes, Hereditary; Hereditary Cancer Syndrome; Tumor predisposition; Hereditary neoplastic syndrome. Identifiers: Orphanet 140162, MedGen C0027672, MeSH D009386, MONDO:0015356.
Gastrointestinal stromal tumor. Also called: Gastrointestinal stromal tumor, somatic; Gastrointestinal stroma tumor. Identifiers: Orphanet 44890, MedGen C0238198, MeSH D046152, MONDO:0011719, OMIM 606764, HP:0100723.

Allele frequency attached by ClinVar (database versions not stated): gnomAD exomes below 0.00001 and 0.00001.
gnomAD v4.1: 5 of 1,614,088 alleles (0.00031%); highest among the groups gnomAD compares: Non-Finnish European, 0.00042%; no homozygotes.

Submissions (4):

Myriad Genetics, Inc.
Classification: Benign for Gastrointestinal stromal tumor. Last evaluated: 2026-06-04. Review status: criteria provided, single submitter. Criteria: Myriad Autosomal Dominant, Autosomal Recessive and X-Linked Classification Criteria (2023). Collection method: clinical testing. Allele origin: unknown.
Comment: This variant is considered benign. This variant is a silent/synonymous amino acid change and it is not expected to impact splicing.

Labcorp Genetics (formerly Invitae), Labcorp
Classification: Likely benign for Gastrointestinal stromal tumor. Last evaluated: 2023-04-09. Review status: criteria provided, single submitter. Criteria: Invitae Variant Classification Sherloc (09022015). Collection method: clinical testing. Allele origin: germline.

CeGaT Center for Human Genetics Tuebingen
Classification: Likely benign. Last evaluated: 2023-01-01. Review status: criteria provided, single submitter. Criteria: CeGaT Center For Human Genetics Tuebingen Variant Classification Criteria Version 2. Collection method: clinical testing. Allele origin: germline. Affected: yes. Observed: 1 variant allele.
Comment: KIT: BP4, BP7

Ambry Genetics
Classification: Likely benign for Hereditary cancer-predisposing syndrome. Last evaluated: 2020-04-14. Review status: criteria provided, single submitter. Criteria: Ambry Variant Classification Scheme 2023. Collection method: clinical testing. Allele origin: germline.